The following is an entry in ClinVar:

NM_006514.4(SCN10A):c.5021G>T (p.Gly1674Val)

Gene: SCN10A (sodium voltage-gated channel alpha subunit 10; minus strand). Cytogenetic location: 3p22.2.
Variant type: single nucleotide variant.
Coding change: c.5021G>T on transcript NM_006514.4 (MANE Select); coding-DNA position 5021, G replaced by T.
Protein change: p.Gly1674Val; replaces glycine 1674 with valine.
Molecular consequence: missense variant.
Genome position (GRCh38, 1-based): chr3:38,698,199, C>A on the plus strand (G>T on the coding strand, the complement: SCN10A is on the minus strand). VCF-style: chr3-38698199-C-A. GRCh37 (hg19) VCF-style: chr3-38739690-C-A.
Other names: c.5018G>T, p.Gly1673Val (NM_001293306.2); c.4727G>T, p.Gly1576Val (NM_001293307.2); short protein forms G1674V, G1576V, G1673V.
Identifiers: ClinVar variation 3438084 (VCV003438084.1).
Genomic context (GRCh38, chr3:38,698,199, plus strand): 5'-CTCCCACAGTCCCCTCTGGTGCCATTGCTGTTGGGCAGATTGGGGTCACAGTAGGGGGGC[C>A]CTGTGTTGAGGATGGGGCTGAGGAGGCCATCCCAGCCGGCCGACGTGGTAATCTGGAAGA-3'
Protein context (NP_006505.4, residues 1664-1684): DGLLSPILNT[Gly1674Val]PPYCDPNLPN

ClinVar aggregate classification (germline): Uncertain significance (1 of 4 stars; one submission).

Conditions:
Cardiovascular phenotype. Identifiers: MedGen CN230736.

gnomAD v4.1: 10 of 1,613,914 alleles (0.00062%); highest among the groups gnomAD compares: Non-Finnish European, 0.00085%; no homozygotes.

Submission:

Ambry Genetics
Classification: Uncertain significance for Cardiovascular phenotype. Last evaluated: 2024-09-24. Review status: criteria provided, single submitter. Criteria: Ambry Variant Classification Scheme 2023. Collection method: clinical testing. Allele origin: germline.
Comment: The p.G1674V variant (also known as c.5021G>T), located in coding exon 27 of the SCN10A gene, results from a G to T substitution at nucleotide position 5021. The glycine at codon 1674 is replaced by valine, an amino acid with dissimilar properties. This amino acid position is conserved. In addition, the in silico prediction for this alteration is inconclusive. Based on the available evidence, the clinical significance of this variant remains unclear.